The following is an entry in ClinVar:

NM_006618.5(KDM5B):c.2616del (p.Gln873fs)

Gene: KDM5B (lysine demethylase 5B; minus strand). Cytogenetic location: 1q32.1.
Variant type: Deletion.
Coding change: c.2616del on transcript NM_006618.5 (MANE Select); coding-DNA position 2616, one base deleted (T; older notation c.2616delT).
Protein change: p.Gln873fs; shifts the reading frame from glutamine 873.
Molecular consequence: frameshift variant.
Genome position (GRCh38, 1-based): chr1:202,741,696, A deleted on the plus strand (T on the coding strand, the reverse complement: KDM5B is on the minus strand); the first of 4 consecutive A bases (chr1:202,741,696-202,741,699); deleting any one gives the same sequence. VCF-style (leftmost placement, unchanged base first): chr1-202741695-GA-G. GRCh37 (hg19) VCF-style: chr1-202710823-GA-G.
Other names: c.2724del, p.Gln909fs (NM_001314042.2); c.2481del, p.Gln828fs (NM_001347591.2); c.2601del, p.Gln868fs (NM_001399817.1); short protein forms Q828fs, Q868fs, Q873fs, Q909fs.
Identifiers: ClinVar variation 3899479 (VCV003899479.1).

ClinVar aggregate classification (germline): Likely pathogenic (1 of 4 stars; one submission).

Submission:

GeneDx
Classification: Likely pathogenic. Last evaluated: 2024-11-13. Review status: criteria provided, single submitter. Criteria: GeneDx Variant Classification Process June 2021. Collection method: clinical testing. Allele origin: germline. Affected: yes.
Comment: Frameshift variant predicted to result in protein truncation or nonsense mediated decay in a gene for which loss-of-function is a known mechanism of disease; Not observed in large population cohorts (gnomAD); Has not been previously published as pathogenic or benign to our knowledge